The following is an entry in ClinVar:

NM_031942.5(CDCA7):c.384G>A (p.Met128Ile)

Gene: CDCA7 (cell division cycle associated 7; plus strand). Cytogenetic location: 2q31.1.
Variant type: single nucleotide variant.
Coding change: c.384G>A on transcript NM_031942.5 (MANE Select); coding-DNA position 384, G replaced by A.
Protein change: p.Met128Ile; replaces methionine 128 with isoleucine.
Molecular consequence: missense variant. On other transcripts: intron variant (1).
Genome position (GRCh38, 1-based): chr2:173,359,491, G>A. VCF-style: chr2-173359491-G-A. GRCh37 (hg19) VCF-style: chr2-174224219-G-A.
Other names: c.147+654G>A (NM_145810.3); short protein forms M128I.
Identifiers: ClinVar variation 1361772 (VCV001361772.8), dbSNP rs2106388707, ClinGen allele CA349322892.

ClinVar aggregate classification (germline): Uncertain significance (1 of 4 stars; one submission).

Submission:

Labcorp Genetics (formerly Invitae), Labcorp
Classification: Uncertain significance. Last evaluated: 2021-04-21. Review status: criteria provided, single submitter. Criteria: Invitae Variant Classification Sherloc (09022015). Collection method: clinical testing. Allele origin: germline.
Comment: This sequence change replaces methionine with isoleucine at codon 128 of the CDCA7 protein (p.Met128Ile). The methionine residue is moderately conserved and there is a small physicochemical difference between methionine and isoleucine. This variant also falls at the last nucleotide of exon 3, which is part of the consensus splice site for this exon. This variant is not present in population databases (ExAC no frequency). This variant has not been reported in the literature in individuals with CDCA7-related conditions. Algorithms developed to predict the effect of missense changes on protein structure and function (SIFT, PolyPhen-2, Align-GVGD) all suggest that this variant is likely to be tolerated, but these predictions have not been confirmed by published functional studies and their clinical significance is uncertain. Nucleotide substitutions within the consensus splice site are a relatively common cause of aberrant splicing (PMID: 17576681, 9536098). Algorithms developed to predict the effect of sequence changes on RNA splicing suggest that this variant may disrupt the consensus splice site, but this prediction has not been confirmed by published transcriptional studies. In summary, the available evidence is currently insufficient to determine the role of this variant in disease. Therefore, it has been classified as a Variant of Uncertain Significance.

Literature cited by the submitters: PubMed 17576681; PubMed 9536098.